The following is an entry in ClinVar:

NM_002180.3(IGHMBP2):c.791G>A (p.Arg264His)

Gene: IGHMBP2 (immunoglobulin mu DNA binding protein 2; plus strand). Cytogenetic location: 11q13.3.
Variant type: single nucleotide variant.
Coding change: c.791G>A on transcript NM_002180.3 (MANE Select); coding-DNA position 791, G replaced by A.
Protein change: p.Arg264His; replaces arginine 264 with histidine.
Molecular consequence: missense variant.
Genome position (GRCh38, 1-based): chr11:68,914,902, G>A. VCF-style: chr11-68914902-G-A. GRCh37 (hg19) VCF-style: chr11-68682370-G-A.
Other names: short protein forms R264H.
Identifiers: ClinVar variation 577730 (VCV000577730.18), dbSNP rs777575504, ClinGen allele CA6153396.

ClinVar aggregate classification (germline): Conflicting classifications of pathogenicity. Review status: criteria provided, conflicting classifications (1 of 4 stars). 5 submissions from 5 submitters: Pathogenic (1); Likely pathogenic (1); Uncertain significance (3). Last evaluated 2025-06-05.

Conditions:
Autosomal recessive distal spinal muscular atrophy 1. Also called: NEURONOPATHY, SEVERE INFANTILE AXONAL, WITH RESPIRATORY FAILURE; SEVERE INFANTILE AXONAL NEUROPATHY WITH RESPIRATORY FAILURE; SPINAL MUSCULAR ATROPHY, DIAPHRAGMATIC; Spinal muscular atrophy with respiratory distress 1; NEURONOPATHY, DISTAL HEREDITARY MOTOR, HARDING TYPE VI; NEUROPATHY, DISTAL HEREDITARY MOTOR, AUTOSOMAL RECESSIVE 1. Identifiers: Orphanet 98920, MedGen C1858517, MONDO:0011436, OMIM 604320.
Charcot-Marie-Tooth disease axonal type 2S. Also called: CHARCOT-MARIE-TOOTH DISEASE, AXONAL, AUTOSOMAL RECESSIVE, TYPE 2S; CHARCOT-MARIE-TOOTH NEUROPATHY, TYPE 2S. Identifiers: Orphanet 443073, MedGen C4015349, MONDO:0014511, OMIM 616155.
Inborn genetic diseases. Identifiers: MedGen C0950123, MeSH D030342.

Allele frequency attached by ClinVar (database versions not stated): TOPMed 0.00001.
gnomAD v4.1: 16 of 1,614,084 alleles (0.00099%); highest among the groups gnomAD compares: East Asian, 0.0067%; no homozygotes.

Submissions (5):

Women's Health and Genetics/Laboratory Corporation of America, LabCorp
Classification: Likely pathogenic for Charcot-Marie-Tooth disease axonal type 2S. Last evaluated: 2025-06-05. Review status: criteria provided, single submitter. Criteria: LabCorp Variant Classification Summary - May 2015. Collection method: clinical testing. Allele origin: germline.
Comment: Variant summary: IGHMBP2 c.791G>A (p.Arg264His) results in a non-conservative amino acid change located in the AAA+ ATPase domain (IPR003593) of the encoded protein sequence. Algorithms developed to predict the effect of missense changes on protein structure and function all suggest that this variant is likely to be disruptive. The variant allele was found at a frequency of 2e-05 in 251468 control chromosomes. c.791G>A has been observed in individual(s) affected with Charcot-Marie-Tooth disease axonal type 2S (Dohrn_2017, Internal data). These data indicate that the variant is likely to be associated with disease. To our knowledge, no experimental evidence demonstrating an impact on protein function has been reported. The following publication has been ascertained in the context of this evaluation (PMID: 28902413). ClinVar contains an entry for this variant (Variation ID: 577730). Based on the evidence outlined above, the variant was classified as likely pathogenic.

Labcorp Genetics (formerly Invitae), Labcorp
Classification: Pathogenic for Autosomal recessive distal spinal muscular atrophy 1; Charcot-Marie-Tooth disease axonal type 2S. Last evaluated: 2023-12-21. Review status: criteria provided, single submitter. Criteria: Invitae Variant Classification Sherloc (09022015). Collection method: clinical testing. Allele origin: germline.
Comment: This sequence change replaces arginine, which is basic and polar, with histidine, which is basic and polar, at codon 264 of the IGHMBP2 protein (p.Arg264His). This variant is present in population databases (rs777575504, gnomAD 0.02%). This missense change has been observed in individuals with clinical features of IGHMBP2-related conditions (PMID: 28902413; Invitae). ClinVar contains an entry for this variant (Variation ID: 577730). Advanced modeling of protein sequence and biophysical properties (such as structural, functional, and spatial information, amino acid conservation, physicochemical variation, residue mobility, and thermodynamic stability) performed at Invitae indicates that this missense variant is expected to disrupt IGHMBP2 protein function with a positive predictive value of 95%. This variant disrupts the p.Arg264 amino acid residue in IGHMBP2. Other variant(s) that disrupt this residue have been determined to be pathogenic (PMID: 26392352; Invitae). This suggests that this residue is clinically significant, and that variants that disrupt this residue are likely to be disease-causing. For these reasons, this variant has been classified as Pathogenic.

Ambry Genetics
Classification: Uncertain significance for Inborn genetic diseases. Last evaluated: 2021-06-30. Review status: criteria provided, single submitter. Criteria: Ambry Variant Classification Scheme 2023. Collection method: clinical testing. Allele origin: germline.
Comment: The p.R264H variant (also known as c.791G>A), located in coding exon 6 of the IGHMBP2 gene, results from a G to A substitution at nucleotide position 791. The arginine at codon 264 is replaced by histidine, an amino acid with highly similar properties. This variant was detected in an individual with suspected hereditary neuropathy, who also had another variant in IGHMBP2; however, clinical details were limited, and it was unclear if the variants were in cis or trans (Dohrn MF et al. J Neurochem, 2017 12;143:507-522). This amino acid position is highly conserved in available vertebrate species. In addition, this alteration is predicted to be deleterious by in silico analysis. Since supporting evidence is limited at this time, the clinical significance of this alteration remains unclear.

Revvity Omics, Revvity
Classification: Uncertain significance. Last evaluated: 2019-04-26. Review status: criteria provided, single submitter. Criteria: ACMG Guidelines, 2015. Collection method: clinical testing. Allele origin: germline.

Juno Genomics, Hangzhou Juno Genomics, Inc
Classification: Uncertain significance for Autosomal recessive distal spinal muscular atrophy 1; Charcot-Marie-Tooth disease axonal type 2S. Review status: criteria provided, single submitter. Criteria: ACMG Guidelines, 2015. Collection method: clinical testing. Allele origin: germline.
Comment: Absent from controls (or at extremely low frequency if recessive) in Genome Aggregation Database.;Multiple lines of computational evidence support a deleterious effect on the gene or gene product.

Literature cited by the submitters: PubMed 28902413 (cited by 3 submitters); PubMed 26392352 (cited by Labcorp Genetics (formerly Invitae), Labcorp).